The following is an entry in ClinVar:

ClinVar aggregate classification (germline): Uncertain significance (1 of 4 stars; one submission).

Allele frequency attached by ClinVar (database versions not stated): gnomAD exomes below 0.00001 and 0.00001.
gnomAD v4.1: 13 of 1,593,152 alleles (0.00082%); highest among the groups gnomAD compares: Non-Finnish European, 0.001%; no homozygotes.

Submission:

Labcorp Genetics (formerly Invitae), Labcorp
Classification: Uncertain significance. Last evaluated: 2021-08-07. Review status: criteria provided, single submitter. Criteria: Invitae Variant Classification Sherloc (09022015). Collection method: clinical testing. Allele origin: germline.
Comment: This variant is not present in population databases (ExAC no frequency). This sequence change falls in intron 31 of the MYO18B gene. It does not directly change the encoded amino acid sequence of the MYO18B protein. It affects a nucleotide within the consensus splice site of the intron. This variant has not been reported in the literature in individuals affected with MYO18B-related conditions. Variants that disrupt the consensus splice site are a relatively common cause of aberrant splicing (PMID: 17576681, 9536098). Experimental studies and prediction algorithms are not available or were not evaluated, and the effect of this variant on mRNA splicing is currently unknown. In summary, the available evidence is currently insufficient to determine the role of this variant in disease. Therefore, it has been classified as a Variant of Uncertain Significance.

Literature cited by the submitters: PubMed 17576681; PubMed 9536098.

NM_032608.7(MYO18B):c.5148+3A>G

Gene: MYO18B (myosin XVIIIB; plus strand). Cytogenetic location: 22q12.1.
Variant type: single nucleotide variant.
Coding change: c.5148+3A>G on transcript NM_032608.7 (MANE Select); 3 bases into the intron after coding-DNA position 5148, A replaced by G.
Molecular consequence: intron variant.
Genome position (GRCh38, 1-based): chr22:25,903,834, A>G. VCF-style: chr22-25903834-A-G. GRCh37 (hg19) VCF-style: chr22-26299801-A-G.
Other names: c.5151+3A>G (NM_001318245.2).
Identifiers: ClinVar variation 1414970 (VCV001414970.6), dbSNP rs1253308367, ClinGen allele CA513915605.